The following is an entry in ClinVar:

ClinVar aggregate classification (germline): Pathogenic. Review status: criteria provided, multiple submitters, no conflicts (2 of 4 stars). 3 submissions from 3 submitters: Pathogenic (3). Last evaluated 2025-09-11.

Conditions:
Hereditary breast ovarian cancer syndrome. Also called: BRCA1- and BRCA2-Associated Hereditary Breast and Ovarian Cancer; Hereditary breast and ovarian cancer syndrome (HBOC); Hereditary breast and ovarian cancer syndrome; Breast and ovarian cancer; Hereditary breast and/or ovarian cancer syndrome; Hereditary breast and ovarian cancer. Identifiers: Orphanet 145, MedGen C0677776, MeSH D061325, MONDO:0003582. Disease mechanism: loss of function.
Inherited breast cancer and ovarian cancer.
Hereditary cancer-predisposing syndrome. Also called: Neoplastic Syndromes, Hereditary; Hereditary Cancer Syndrome; Hereditary neoplastic syndrome; Tumor predisposition. Identifiers: Orphanet 140162, MedGen C0027672, MeSH D009386, MONDO:0015356.

Submissions (3):

Genetics Laboratory, Great Ormond Street Hospital NHS Foundation Trust, North Thames Genomic Laboratory Hub
Classification: Pathogenic for Inherited breast cancer and ovarian cancer. Last evaluated: 2025-09-11. Review status: criteria provided, single submitter. Criteria: CanVIG BRCA Gene Specific V1.22. Collection method: clinical testing. Allele origin: germline. Affected: yes.
Comment: PM2_moderate, PVS1_very-strong, PM5_strong

Labcorp Genetics (formerly Invitae), Labcorp
Classification: Pathogenic for Hereditary breast ovarian cancer syndrome. Last evaluated: 2023-12-23. Review status: criteria provided, single submitter. Criteria: Invitae Variant Classification Sherloc (09022015). Collection method: clinical testing. Allele origin: germline.
Comment: This sequence change creates a premature translational stop signal (p.Thr298Glnfs*3) in the BRCA2 gene. It is expected to result in an absent or disrupted protein product. Loss-of-function variants in BRCA2 are known to be pathogenic (PMID: 20104584). This variant is not present in population databases (gnomAD no frequency). This variant has not been reported in the literature in individuals affected with BRCA2-related conditions. ClinVar contains an entry for this variant (Variation ID: 2566061). For these reasons, this variant has been classified as Pathogenic.

Ambry Genetics
Classification: Pathogenic for Hereditary cancer-predisposing syndrome. Last evaluated: 2023-06-15. Review status: criteria provided, single submitter. Criteria: Ambry Variant Classification Scheme 2023. Collection method: clinical testing. Allele origin: germline.
Comment: The c.892delA pathogenic mutation, located in coding exon 9 of the BRCA2 gene, results from a deletion of one nucleotide at nucleotide position 892, causing a translational frameshift with a predicted alternate stop codon (p.T298Qfs*3). This variant is considered to be rare based on population cohorts in the Genome Aggregation Database (gnomAD). This alteration is expected to result in loss of function by premature protein truncation or nonsense-mediated mRNA decay. As such, this alteration is interpreted as a disease-causing mutation.

Literature cited by the submitters: PubMed 20104584 (cited by Labcorp Genetics (formerly Invitae), Labcorp).

NM_000059.4(BRCA2):c.892del (p.Thr298fs)

Gene: BRCA2 (BRCA2 DNA repair associated; plus strand). Cytogenetic location: 13q13.1.
Variant type: Deletion.
Coding change: c.892del on transcript NM_000059.4 (MANE Select); coding-DNA position 892, one base deleted (A; older notation c.892delA).
Protein change: p.Thr298fs; shifts the reading frame from threonine 298.
Molecular consequence: frameshift variant. On other transcripts: non-coding transcript variant (1), intron variant (1).
Genome position (GRCh38, 1-based): chr13:32,332,370, A deleted; the last of 3 consecutive A bases (chr13:32,332,368-32,332,370); deleting any one gives the same sequence. VCF-style (leftmost placement, unchanged base first): chr13-32332367-GA-G. GRCh37 (hg19) VCF-style: chr13-32906504-GA-G.
Other names: c.892del, p.Thr298fs (NM_001406719.1, NM_001406720.1, NM_001406721.1); c.424+1340del (NM_001406722.1); short protein forms T298fs.
Identifiers: ClinVar variation 2566061 (VCV002566061.7), dbSNP rs2548519039, ClinGen allele CA2580614645.